The following is an entry in ClinVar:

ClinVar aggregate classification (germline): Pathogenic/Likely pathogenic. Review status: criteria provided, multiple submitters, no conflicts (2 of 4 stars). 3 submissions from 3 submitters: Pathogenic (2); Likely pathogenic (1). Last evaluated 2026-05-12.

Conditions:
Xeroderma pigmentosum (XP). Identifiers: Orphanet 910, MedGen C0043346, MONDO:0019600.
Cerebrooculofacioskeletal syndrome 2 (COFS2). Identifiers: MedGen C1853102, MONDO:0012553, OMIM 610756.

gnomAD v4.1: 2 of 1,613,886 alleles (0.00012%); highest among the groups gnomAD compares: African/African-American, 0.0013%; no homozygotes.

Submissions (3):

Women's Health and Genetics/Laboratory Corporation of America, LabCorp
Classification: Pathogenic for Xeroderma pigmentosum. Last evaluated: 2026-05-12. Review status: criteria provided, single submitter. Criteria: LabCorp Variant Classification Summary - May 2015. Collection method: clinical testing. Allele origin: germline.
Comment: Variant summary: ERCC2 c.1663C>T (p.Gln555X) results in a premature termination codon, predicted to cause a truncation of the encoded protein or absence of the protein due to nonsense mediated decay, which are commonly known mechanisms for disease. Several computational tools predict a significant impact on normal splicing: Three predict the variant weakens a 5' donor site. Two predict the variant creates a 5' donor site. However, these predictions have yet to be confirmed by functional studies. The variant was absent in 251246 control chromosomes. To our knowledge, no occurrence of c.1663C>T in individuals affected with ERCC2-related conditions and no experimental evidence demonstrating its impact on protein function have been reported. ClinVar contains an entry for this variant (Variation ID: 2675042). Based on the evidence outlined above, the variant was classified as pathogenic.

Baylor Genetics
Classification: Likely pathogenic for Cerebrooculofacioskeletal syndrome 2. Last evaluated: 2023-12-19. Review status: criteria provided, single submitter. Criteria: ACMG Guidelines, 2015. Collection method: clinical testing. Allele origin: unknown.

Labcorp Genetics (formerly Invitae), Labcorp
Classification: Pathogenic. Last evaluated: 2022-12-20. Review status: criteria provided, single submitter. Criteria: Invitae Variant Classification Sherloc (09022015). Collection method: clinical testing. Allele origin: germline.
Comment: For these reasons, this variant has been classified as Pathogenic. Algorithms developed to predict the effect of sequence changes on RNA splicing suggest that this variant may create or strengthen a splice site. This variant has not been reported in the literature in individuals affected with ERCC2-related conditions. This variant is not present in population databases (gnomAD no frequency). This sequence change creates a premature translational stop signal (p.Gln555*) in the ERCC2 gene. It is expected to result in an absent or disrupted protein product. Loss-of-function variants in ERCC2 are known to be pathogenic (PMID: 9238033, 11335038, 19085937, 19934020).

Literature cited by the submitters: PubMed 9238033 (cited by Labcorp Genetics (formerly Invitae), Labcorp); PubMed 11335038 (cited by Labcorp Genetics (formerly Invitae), Labcorp); PubMed 19085937 (cited by Labcorp Genetics (formerly Invitae), Labcorp); PubMed 19934020 (cited by Labcorp Genetics (formerly Invitae), Labcorp).

NM_000400.4(ERCC2):c.1663C>T (p.Gln555Ter)

Gene: ERCC2 (ERCC excision repair 2, TFIIH core complex helicase subunit; minus strand). Cytogenetic location: 19q13.32.
Variant type: single nucleotide variant.
Coding change: c.1663C>T on transcript NM_000400.4 (MANE Select); coding-DNA position 1663, C replaced by T.
Protein change: p.Gln555Ter; replaces glutamine 555 with a stop codon.
Molecular consequence: nonsense.
Genome position (GRCh38, 1-based): chr19:45,354,732, G>A on the plus strand (C>T on the coding strand, the complement: ERCC2 is on the minus strand). VCF-style: chr19-45354732-G-A. GRCh37 (hg19) VCF-style: chr19-45857990-G-A.
Other names: short protein forms Q555*.
Identifiers: ClinVar variation 2675042 (VCV002675042.6), dbSNP rs753505084, ClinGen allele CA406365129.